The following is an entry in ClinVar:

ClinVar aggregate classification (germline): Uncertain significance (1 of 4 stars; one submission).

Submission:

Labcorp Genetics (formerly Invitae), Labcorp
Classification: Uncertain significance. Last evaluated: 2022-05-27. Review status: criteria provided, single submitter. Criteria: Invitae Variant Classification Sherloc (09022015). Collection method: clinical testing. Allele origin: germline.
Comment: This sequence change replaces isoleucine, which is neutral and non-polar, with methionine, which is neutral and non-polar, at codon 1359 of the C2CD3 protein (p.Ile1359Met). This variant is present in population databases (no rsID available, gnomAD 0.01%). This variant has not been reported in the literature in individuals affected with C2CD3-related conditions. Algorithms developed to predict the effect of missense changes on protein structure and function are either unavailable or do not agree on the potential impact of this missense change (SIFT: "Deleterious"; PolyPhen-2: "Benign"; Align-GVGD: "Class C0"). Algorithms developed to predict the effect of sequence changes on RNA splicing suggest that this variant may create or strengthen a splice site. In summary, the available evidence is currently insufficient to determine the role of this variant in disease. Therefore, it has been classified as a Variant of Uncertain Significance.

NM_001286577.2(C2CD3):c.4077C>G (p.Ile1359Met)

Gene: C2CD3 (C2 domain containing 3 centriole elongation regulator; minus strand). Cytogenetic location: 11q13.4.
Variant type: single nucleotide variant.
Coding change: c.4077C>G on transcript NM_001286577.2 (MANE Select); coding-DNA position 4077, C replaced by G.
Protein change: p.Ile1359Met; replaces isoleucine 1359 with methionine.
Molecular consequence: missense variant.
Genome position (GRCh38, 1-based): chr11:74,078,641, G>C on the plus strand (C>G on the coding strand, the complement: C2CD3 is on the minus strand). VCF-style: chr11-74078641-G-C. GRCh37 (hg19) VCF-style: chr11-73789686-G-C.
Other names: c.4077C>G, p.Ile1359Met (NM_015531.6); short protein forms I1359M.
Identifiers: ClinVar variation 1904256 (VCV001904256.5), dbSNP rs762177409, ClinGen allele CA381818900.